The following is an entry in ClinVar:

NM_013432.5(TONSL):c.2318C>T (p.Thr773Met)

Genes: TONSL (tonsoku like, DNA repair protein; minus strand), TONSL-AS1 (TONSL antisense RNA 1; plus strand). Cytogenetic location: 8q24.3.
Variant type: single nucleotide variant.
Coding change: c.2318C>T on transcript NM_013432.5 (MANE Select); coding-DNA position 2318, C replaced by T.
Protein change: p.Thr773Met; replaces threonine 773 with methionine.
Molecular consequence: missense variant.
Genome position (GRCh38, 1-based): chr8:144,436,115, G>A on the plus strand (C>T on the coding strand, the complement: TONSL is on the minus strand). VCF-style: chr8-144436115-G-A. GRCh37 (hg19) VCF-style: chr8-145661498-G-A.
Other names: c.2318C>T (NM_013432.4); short protein forms T773M.
Identifiers: ClinVar variation 2428366 (VCV002428366.5), dbSNP rs868605457, ClinGen allele CA187667442.

ClinVar aggregate classification (germline): Uncertain significance. Review status: criteria provided, multiple submitters, no conflicts (2 of 4 stars). 2 submissions from 2 submitters: Uncertain significance (2). Last evaluated 2025-05-14.

Conditions:
Inborn genetic diseases. Identifiers: MedGen C0950123, MeSH D030342.

Allele frequency attached by ClinVar (database versions not stated): gnomAD 0.00001; TOPMed 0.00001.

Submissions (2):

Ambry Genetics
Classification: Uncertain significance for Inborn genetic diseases. Last evaluated: 2025-05-14. Review status: criteria provided, single submitter. Criteria: Ambry Variant Classification Scheme 2023. Collection method: clinical testing. Allele origin: germline.

Labcorp Genetics (formerly Invitae), Labcorp
Classification: Uncertain significance. Last evaluated: 2022-11-28. Review status: criteria provided, single submitter. Criteria: Invitae Variant Classification Sherloc (09022015). Collection method: clinical testing. Allele origin: germline.
Comment: In summary, the available evidence is currently insufficient to determine the role of this variant in disease. Therefore, it has been classified as a Variant of Uncertain Significance. Advanced modeling of protein sequence and biophysical properties (such as structural, functional, and spatial information, amino acid conservation, physicochemical variation, residue mobility, and thermodynamic stability) performed at Invitae indicates that this missense variant is not expected to disrupt TONSL protein function. This variant has not been reported in the literature in individuals affected with TONSL-related conditions. This variant is not present in population databases (gnomAD no frequency). This sequence change replaces threonine, which is neutral and polar, with methionine, which is neutral and non-polar, at codon 773 of the TONSL protein (p.Thr773Met).